The following is an entry in ClinVar:

NM_058216.3(RAD51C):c.360A>G (p.Thr120=)

Gene: RAD51C (RAD51 paralog C; plus strand). Cytogenetic location: 17q22.
Variant type: single nucleotide variant.
Coding change: c.360A>G on transcript NM_058216.3 (MANE Select); coding-DNA position 360, A replaced by G.
Protein change: p.Thr120=; no amino-acid change (threonine 120 retained).
Molecular consequence: synonymous variant. On other transcripts: non-coding transcript variant (2).
Genome position (GRCh38, 1-based): chr17:58,695,145, A>G. VCF-style: chr17-58695145-A-G. GRCh37 (hg19) VCF-style: chr17-56772506-A-G.
Other names: c.360A>G, p.Thr120= (NM_002876.4, NM_058217.1).
Identifiers: ClinVar variation 1733186 (VCV001733186.3), dbSNP rs2143726087, ClinGen allele CA501074757.

ClinVar aggregate classification (germline): Benign/Likely benign. Review status: criteria provided, multiple submitters, no conflicts (2 of 4 stars). 2 submissions from 2 submitters: Benign (1); Likely benign (1). Last evaluated 2025-02-14.

Conditions:
Hereditary cancer-predisposing syndrome. Also called: Neoplastic Syndromes, Hereditary; Tumor predisposition; Hereditary Cancer Syndrome; Hereditary neoplastic syndrome. Identifiers: Orphanet 140162, MedGen C0027672, MeSH D009386, MONDO:0015356.
Breast-ovarian cancer, familial, susceptibility to, 3. Also called: RAD51C-Related Breast/Ovarian Cancer. Identifiers: Orphanet 145, MedGen C3150659, MONDO:0013253, OMIM 613399.

Allele frequency attached by ClinVar (database versions not stated): gnomAD exomes below 0.00001.
gnomAD v4.1: 1 of 1,613,836 alleles (0.000062%); highest among the groups gnomAD compares: East Asian, 0.0022%; no homozygotes.

Submissions (2):

Myriad Genetics, Inc.
Classification: Benign for Breast-ovarian cancer, familial, susceptibility to, 3. Last evaluated: 2025-02-14. Review status: criteria provided, single submitter. Criteria: Myriad Autosomal Dominant, Autosomal Recessive and X-Linked Classification Criteria (2023). Collection method: clinical testing. Allele origin: unknown.
Comment: This variant is considered benign. This variant is a silent/synonymous amino acid change and it is not expected to impact splicing.

Ambry Genetics
Classification: Likely benign for Hereditary cancer-predisposing syndrome. Last evaluated: 2019-05-15. Review status: criteria provided, single submitter. Criteria: Ambry Variant Classification Scheme 2023. Collection method: clinical testing. Allele origin: germline.